The following is an entry in ClinVar:

NM_001235.5(SERPINH1):c.393C>T (p.Gly131=)

Gene: SERPINH1 (serpin family H member 1; plus strand). Cytogenetic location: 11q13.5.
Variant type: single nucleotide variant.
Coding change: c.393C>T on transcript NM_001235.5 (MANE Select); coding-DNA position 393, C replaced by T.
Protein change: p.Gly131=; no amino-acid change (glycine 131 retained).
Molecular consequence: synonymous variant.
Genome position (GRCh38, 1-based): chr11:75,566,742, C>T. VCF-style: chr11-75566742-C-T. GRCh37 (hg19) VCF-style: chr11-75277787-C-T.
Other names: c.393C>T, p.Gly131= (NM_001207014.3); c.393C>T (NM_001235.3).
Identifiers: ClinVar variation 1612340 (VCV001612340.9), dbSNP rs760571465, ClinGen allele CA6190804.

ClinVar aggregate classification (germline): Conflicting classifications of pathogenicity. Review status: criteria provided, conflicting classifications (1 of 4 stars). 2 submissions from 2 submitters: Uncertain significance (1); Likely benign (1). Last evaluated 2022-11-27.

Allele frequency attached by ClinVar (database versions not stated): gnomAD exomes below 0.00001 and 0.00001; ExAC 0.00001; gnomAD 0.00001.
gnomAD v4.1: 6 of 1,612,946 alleles (0.00037%); highest among the groups gnomAD compares: African/African-American, 0.008%; no homozygotes.

Submissions (2):

GeneDx
Classification: Uncertain significance. Last evaluated: 2022-11-27. Review status: criteria provided, single submitter. Criteria: GeneDx Variant Classification Process June 2021. Collection method: clinical testing. Allele origin: germline. Affected: yes.
Comment: In silico analysis supports that this variant does not alter splicing; Has not been previously published as pathogenic or benign to our knowledge

Labcorp Genetics (formerly Invitae), Labcorp
Classification: Likely benign. Last evaluated: 2022-06-13. Review status: criteria provided, single submitter. Criteria: Invitae Variant Classification Sherloc (09022015). Collection method: clinical testing. Allele origin: germline.